The following is an entry in ClinVar:

NM_152296.5(ATP1A3):c.2677G>C (p.Gly893Arg)

Gene: ATP1A3 (ATPase Na+/K+ transporting subunit alpha 3; minus strand). Cytogenetic location: 19q13.2.
Variant type: single nucleotide variant.
Coding change: c.2677G>C on transcript NM_152296.5 (MANE Select); coding-DNA position 2677, G replaced by C.
Protein change: p.Gly893Arg; replaces glycine 893 with arginine.
Molecular consequence: missense variant.
Genome position (GRCh38, 1-based): chr19:41,969,446, C>G on the plus strand (G>C on the coding strand, the complement: ATP1A3 is on the minus strand). VCF-style: chr19-41969446-C-G. GRCh37 (hg19) VCF-style: chr19-42473598-C-G.
Other names: c.2710G>C, p.Gly904Arg (NM_001256213.2); c.2716G>C, p.Gly906Arg (NM_001256214.2); short protein forms G893R, G904R, G906R.
Identifiers: ClinVar variation 581802 (VCV000581802.8), dbSNP rs1568853466, ClinGen allele CA406037666.
Genomic context (GRCh38, chr19:41,969,446, plus strand): 5'-CCCCGGGGATCTTACGGTGGGCAGAGACACAGCACCCTGCCCTACTCACCCACTGCTGCC[C>G]GTAACTGTCTTCCAGGTCATTGACGGTGCGGTCATCCCAGTTCAGCCGGATGCCCACCAG-3'
Protein context (NP_689509.1, residues 883-903): RTVNDLEDSY[Gly893Arg]QQWTYEQRKV

ClinVar aggregate classification (germline): Likely pathogenic (1 of 4 stars; one submission).

Conditions:
Dystonia 12 (DYT12). Also called: DYT-ATP1A3; Rapid-Onset Dystonia-Parkinsonism (RDP). Identifiers: Orphanet 71517, MedGen C1868681, MONDO:0007496, OMIM 128235.

Submission:

Labcorp Genetics (formerly Invitae), Labcorp
Classification: Likely pathogenic for Dystonia 12. Last evaluated: 2018-06-14. Review status: criteria provided, single submitter. Criteria: Invitae Variant Classification Sherloc (09022015). Collection method: clinical testing. Allele origin: germline.
Comment: This variant is not present in population databases (ExAC no frequency). This variant has been observed to be de novo in individuals affected with Dystonia (Invitae). Algorithms developed to predict the effect of missense changes on protein structure and function do not agree on the potential impact of this missense change (SIFT: "Deleterious"; PolyPhen-2: "Probably Damaging"; Align-GVGD: "Class C0"). A different nucleotide substitution (c.2677G>A) resulting in the same amino acid change at this codon (p.Gly893Arg) has been reported as de novo in an individual affected with alternating hemiplegia of childhood (PMID: 24842602). In summary, the currently available evidence indicates that the variant is pathogenic, but additional data are needed to prove that conclusively. Therefore, this variant has been classified as Likely Pathogenic. This sequence change replaces glycine with arginine at codon 893 of the ATP1A3 protein (p.Gly893Arg). The glycine residue is highly conserved and there is a moderate physicochemical difference between glycine and arginine.

Literature cited by the submitters: PubMed 24842602.